The following is an entry in ClinVar:

NM_001099922.3(ALG13):c.3330A>T (p.Gln1110His)

Gene: ALG13 (ALG13 UDP-N-acetylglucosaminyltransferase subunit; plus strand). Cytogenetic location: Xq23.
Variant type: single nucleotide variant.
Coding change: c.3330A>T on transcript NM_001099922.3 (MANE Select); coding-DNA position 3330, A replaced by T.
Protein change: p.Gln1110His; replaces glutamine 1110 with histidine.
Molecular consequence: missense variant. On other transcripts: non-coding transcript variant (1).
Genome position (GRCh38, 1-based): chrX:111,759,915, A>T. VCF-style: chrX-111759915-A-T. GRCh37 (hg19) VCF-style: chrX-111003143-A-T.
Other names: c.2781A>T, p.Gln927His (NM_001257234.2, NM_001257237.2, NM_001257230.2); c.3093A>T, p.Gln1031His (NM_001324292.2); c.2607A>T, p.Gln869His (NM_001324293.1); c.3096A>T, p.Gln1032His (NM_001257231.2); short protein forms Q869H, Q1032H, Q927H, Q1031H, Q1110H.
Identifiers: ClinVar variation 1730312 (VCV001730312.13), dbSNP rs761412613, ClinGen allele CA10494076.

ClinVar aggregate classification (germline): Conflicting classifications of pathogenicity. Review status: criteria provided, conflicting classifications (1 of 4 stars). 3 submissions from 3 submitters: Uncertain significance (1); Likely benign (2). Last evaluated 2025-10-01.

Conditions:
Inborn genetic diseases. Identifiers: MedGen C0950123, MeSH D030342.
Developmental and epileptic encephalopathy, 36 (DEE36). Also called: ALG13-CDG; Congenital disorder of glycosylation, type Is; Epileptic encephalopathy, early infantile, 36. Identifiers: Orphanet 324422, MedGen C4317295, MONDO:0010472, OMIM 300884.

Allele frequency attached by ClinVar (database versions not stated): gnomAD 0.00002.
gnomAD v4.1: 31 of 1,208,464 alleles (0.0026%); highest among the groups gnomAD compares: Non-Finnish European, 0.003%; no homozygotes.

Submissions (3):

CeGaT Center for Human Genetics Tuebingen
Classification: Likely benign. Last evaluated: 2025-10-01. Review status: criteria provided, single submitter. Criteria: CeGaT Center For Human Genetics Tuebingen Variant Classification Criteria Version 2. Collection method: clinical testing. Allele origin: germline. Affected: yes. Observed: 1 variant allele.
Comment: ALG13: BP4, BS2

Labcorp Genetics (formerly Invitae), Labcorp
Classification: Likely benign for Developmental and epileptic encephalopathy, 36. Last evaluated: 2025-05-27. Review status: criteria provided, single submitter. Criteria: Invitae Variant Classification Sherloc (09022015). Collection method: clinical testing. Allele origin: germline.

Ambry Genetics
Classification: Uncertain significance for Inborn genetic diseases. Last evaluated: 2017-10-27. Review status: criteria provided, single submitter. Criteria: Ambry Variant Classification Scheme 2023. Collection method: clinical testing. Allele origin: germline.
Comment: The p.Q1110H variant (also known as c.3330A>T), located in coding exon 27 of the ALG13 gene, results from an A to T substitution at nucleotide position 3330. The glutamine at codon 1110 is replaced by histidine, an amino acid with highly similar properties. This amino acid position is not well conserved in available vertebrate species, and histidine is the reference amino acid in other vertebrate species. In addition, this alteration is predicted to be tolerated by in silico analysis. Since supporting evidence is limited at this time, the clinical significance of this alteration remains unclear.